The following is an entry in ClinVar:

NM_001267550.2(TTN):c.77483C>A (p.Thr25828Asn)

Genes: TTN (titin; minus strand), TTN-AS1 (TTN antisense RNA 1; plus strand). Cytogenetic location: 2q31.2.
Variant type: single nucleotide variant.
Coding change: c.77483C>A on transcript NM_001267550.2 (MANE Select); coding-DNA position 77483, C replaced by A.
Protein change: p.Thr25828Asn; replaces threonine 25828 with asparagine.
Molecular consequence: missense variant.
Genome position (GRCh38, 1-based): chr2:178,568,649, G>T on the plus strand (C>A on the coding strand, the complement: TTN is on the minus strand). VCF-style: chr2-178568649-G-T. GRCh37 (hg19) VCF-style: chr2-179433376-G-T.
Other names: c.72560C>A, p.Thr24187Asn (NM_001256850.1); c.50288C>A, p.Thr16763Asn (NM_003319.4); c.69779C>A, p.Thr23260Asn (NM_133378.4); c.50663C>A, p.Thr16888Asn (NM_133432.3); c.50864C>A, p.Thr16955Asn (NM_133437.4); short protein forms T16763N, T23260N, T16955N, T24187N, T25828N, T16888N.
Identifiers: ClinVar variation 4986727 (VCV004986727.1).
Genomic context (GRCh38, chr2:178,568,649, plus strand): 5'-TCGGTAACATTGATTCTTGTGGTCTGCTTCAGTGGGAGACCATCTTTAGTCCAGGTAATG[G>T]TTGGCTTAGGACGTCCAGAAATTGGCACTTCTATTTTCAAATCTTGGCCAACCTGTACAC-3'
Protein context (NP_001254479.2, residues 25818-25838): EVPISGRPKP[Thr25828Asn]ITWTKDGLPL

ClinVar aggregate classification (germline): Uncertain significance (1 of 4 stars; one submission).

Conditions:
TTN-related disorder. Also called: TTN-related disorders; TTN-related condition; TTN-related disease.

gnomAD v4.1: 67 of 1,613,238 alleles (0.0042%); highest among the groups gnomAD compares: East Asian, 0.15%; no homozygotes.

Submission:

PreventionGenetics, part of Exact Sciences
Classification: Uncertain significance for TTN-related condition. Last evaluated: 2025-08-08. Review status: criteria provided, single submitter. Criteria: ACMG Guidelines, 2015. Collection method: clinical testing. Allele origin: germline.
Comment: The TTN c.77483C>A variant is predicted to result in the amino acid substitution p.Thr25828Asn. To our knowledge, this variant has not been reported in the literature. This variant is reported in 0.017% of alleles in individuals of East Asian descent in gnomAD. At this time, the clinical significance of this variant is uncertain due to the absence of conclusive functional and genetic evidence.